The following is an entry in ClinVar:

NM_003737.4(DCHS1):c.4069C>G (p.Pro1357Ala)

Gene: DCHS1 (dachsous cadherin-related 1; minus strand). Cytogenetic location: 11p15.4.
Variant type: single nucleotide variant.
Coding change: c.4069C>G on transcript NM_003737.4 (MANE Select); coding-DNA position 4069, C replaced by G.
Protein change: p.Pro1357Ala; replaces proline 1357 with alanine.
Molecular consequence: missense variant.
Genome position (GRCh38, 1-based): chr11:6,630,725, G>C on the plus strand (C>G on the coding strand, the complement: DCHS1 is on the minus strand). VCF-style: chr11-6630725-G-C. GRCh37 (hg19) VCF-style: chr11-6651956-G-C.
Other names: short protein forms P1357A.
Identifiers: ClinVar variation 3700453 (VCV003700453.2).

ClinVar aggregate classification (germline): Uncertain significance (1 of 4 stars; one submission).

gnomAD v4.1: 6 of 1,543,826 alleles (0.00039%); highest among the groups gnomAD compares: Non-Finnish European, 0.00052%; no homozygotes.

Submission:

Labcorp Genetics (formerly Invitae), Labcorp
Classification: Uncertain significance. Last evaluated: 2024-09-03. Review status: criteria provided, single submitter. Criteria: Invitae Variant Classification Sherloc (09022015). Collection method: clinical testing. Allele origin: germline.
Comment: This sequence change replaces proline, which is neutral and non-polar, with alanine, which is neutral and non-polar, at codon 1357 of the DCHS1 protein (p.Pro1357Ala). This variant is present in population databases (no rsID available, gnomAD 0.007%). This variant has not been reported in the literature in individuals affected with DCHS1-related conditions. Invitae Evidence Modeling of protein sequence and biophysical properties (such as structural, functional, and spatial information, amino acid conservation, physicochemical variation, residue mobility, and thermodynamic stability) has been performed for this missense variant. However, the output from this modeling did not meet the statistical confidence thresholds required to predict the impact of this variant on DCHS1 protein function. In summary, the available evidence is currently insufficient to determine the role of this variant in disease. Therefore, it has been classified as a Variant of Uncertain Significance.